The following is an entry in ClinVar:

ClinVar aggregate classification (germline): Uncertain significance (1 of 4 stars; one submission).

Conditions:
Autosomal recessive limb-girdle muscular dystrophy type 2O. Also called: Limb-Girdle Muscular Dystrophy Type 3C; MUSCULAR DYSTROPHY-DYSTROGLYCANOPATHY (LIMB-GIRDLE), TYPE C, 3; MUSCULAR DYSTROPHY-DYSTROGLYCANOPATHY, LIMB-GIRDLE, POMGNT1-RELATED. Identifiers: Orphanet 206564, MedGen C3150417, MONDO:0013161, OMIM 613157.
Muscular dystrophy-dystroglycanopathy (congenital with impaired intellectual development), type B, 3. Also called: MUSCULAR DYSTROPHY, CONGENITAL, POMGNT1-RELATED; Muscular dystrophy-dystroglycanopathy (congenital with intellectual disability), type B3. Identifiers: MedGen C3150412, MONDO:0013155, OMIM 613151.

Allele frequency attached by ClinVar (database versions not stated): TOPMed below 0.00001; gnomAD 0.00001.
gnomAD v4.1: 1 of 1,614,056 alleles (0.000062%); highest among the groups gnomAD compares: Non-Finnish European, 0.000085%; no homozygotes.

Submission:

Labcorp Genetics (formerly Invitae), Labcorp
Classification: Uncertain significance for Autosomal recessive limb-girdle muscular dystrophy type 2O; Muscular dystrophy-dystroglycanopathy (congenital with impaired intellectual development), type B, 3. Last evaluated: 2020-07-29. Review status: criteria provided, single submitter. Criteria: Invitae Variant Classification Sherloc (09022015). Collection method: clinical testing. Allele origin: germline.
Comment: In summary, the available evidence is currently insufficient to determine the role of this variant in disease. Therefore, it has been classified as a Variant of Uncertain Significance. Advanced modeling of protein sequence and biophysical properties (such as structural, functional, and spatial information, amino acid conservation, physicochemical variation, residue mobility, and thermodynamic stability) performed at Invitae indicates that this missense variant is not expected to disrupt POMGNT1 protein function. This variant has not been reported in the literature in individuals with POMGNT1-related conditions. This variant is not present in population databases (ExAC no frequency). This sequence change replaces isoleucine with methionine at codon 307 of the POMGNT1 protein (p.Ile307Met). The isoleucine residue is highly conserved and there is a small physicochemical difference between isoleucine and methionine.

NM_017739.4(POMGNT1):c.921T>G (p.Ile307Met)

Genes: POMGNT1 (protein O-linked mannose N-acetylglucosaminyltransferase 1 (beta 1,2-); minus strand), TSPAN1 (tetraspanin 1; plus strand). Cytogenetic location: 1p34.1.
Variant type: single nucleotide variant.
Coding change: c.921T>G on transcript NM_017739.4 (MANE Select); coding-DNA position 921, T replaced by G.
Protein change: p.Ile307Met; replaces isoleucine 307 with methionine.
Molecular consequence: missense variant.
Genome position (GRCh38, 1-based): chr1:46,193,884, A>C on the plus strand (T>G on the coding strand, the complement: POMGNT1 is on the minus strand). VCF-style: chr1-46193884-A-C. GRCh37 (hg19) VCF-style: chr1-46659556-A-C.
Other names: c.921T>G, p.Ile307Met (NM_001243766.2, NM_001410783.1); c.855T>G, p.Ile285Met (NM_001290129.3); c.492T>G, p.Ile164Met (NM_001290130.2); short protein forms I285M, I164M, I307M.
Identifiers: ClinVar variation 1038673 (VCV001038673.11), dbSNP rs71653997, ClinGen allele CA21914110.